The following is an entry in ClinVar:

NC_000012.12:g.(?_51913079)_(51913790_?)del

Gene: ACVRL1 (activin A receptor like type 1; plus strand). Cytogenetic location: 12q13.13.
Variant type: Deletion.
Identifiers: ClinVar variation 533360 (VCV000533360.5).

ClinVar aggregate classification (germline): Pathogenic (1 of 4 stars; one submission).

Conditions:
Telangiectasia, hereditary hemorrhagic, type 2 (HHT2). Also called: ACVRL1-Related Hereditary Hemorrhagic Telangiectasia; Telangiectasia, hereditary hemorrhagic, type II. Identifiers: Orphanet 774, MedGen C1838163, MONDO:0010880, OMIM 600376. Disease mechanism: loss of function.

Submission:

Labcorp Genetics (formerly Invitae), Labcorp
Classification: Pathogenic for Telangiectasia, hereditary hemorrhagic, type 2. Last evaluated: 2017-11-18. Review status: criteria provided, single submitter. Criteria: Invitae Variant Classification Sherloc (09022015). Collection method: clinical testing. Allele origin: germline.
Comment: This variant is an out-of-frame deletion of the genomic region encompassing exons 3-4 of the ACVRL1 gene. This is expected to create a premature translational stop signal and result in an absent or disrupted protein product. This variant has not been reported in the literature in individuals with ACVRL1-related disease. For these reasons, this variant has been classified as Pathogenic. Loss-of-function variants in ACVRL1 are known to be pathogenic (PMID: 15879500).

Literature cited by the submitters: PubMed 15879500.